The following is an entry in ClinVar:

ClinVar aggregate classification (germline): Uncertain significance (1 of 4 stars; one submission).

Submission:

Women's Health and Genetics/Laboratory Corporation of America, LabCorp
Classification: Uncertain significance. Last evaluated: 2025-11-05. Review status: criteria provided, single submitter. Criteria: LabCorp Variant Classification Summary - May 2015. Collection method: clinical testing. Allele origin: germline.
Comment: Variant summary: CASR c.2298_2300delCGA (p.His766_Glu767delinsGln) results in an in-frame deletion-insertion that is predicted to delete 2 amino acids from the protein and also insert one amino acid. The variant was absent in 250970 control chromosomes. The available data on variant occurrences in the general population are insufficient to allow any conclusion about variant significance. To our knowledge, no occurrence of c.2298_2300delCGA in individuals affected with CASR-related conditions and no experimental evidence demonstrating its impact on protein function have been reported. No submitters have cited clinical-significance assessments for this variant to ClinVar. Based on the evidence outlined above, the variant was classified as uncertain significance.

NM_000388.4(CASR):c.2298_2300del (p.His766_Glu767delinsGln)

Gene: CASR (calcium sensing receptor; plus strand). Cytogenetic location: 3q21.1.
Variant type: Deletion.
Coding change: c.2298_2300del on transcript NM_000388.4 (MANE Select); coding-DNA positions 2298 to 2300, 3 bases deleted (CGA; older notation c.2298_2300delCGA).
Protein change: p.His766_Glu767delinsGln.
Molecular consequence: inframe indel.
Genome position (GRCh38, 1-based): chr3:122,284,252-122,284,254, CGA deleted; deleting any 3 consecutive bases within chr3:122,284,251-122,284,254 gives the same sequence; the c. name uses the placement nearest the transcript's 3' end. VCF-style (leftmost placement, unchanged base first): chr3-122284250-CACG-C. GRCh37 (hg19) VCF-style: chr3-122003097-CACG-C.
Other names: c.2298_2300delCGA (NM_000388.4); c.2328_2330del, p.His776_Glu777delinsGln (NM_001178065.2).
Identifiers: ClinVar variation 4537053 (VCV004537053.1).